The following is an entry in ClinVar:

ClinVar aggregate classification (germline): Pathogenic. Review status: criteria provided, multiple submitters, no conflicts (2 of 4 stars). 9 submissions from 9 submitters: Pathogenic (9). Last evaluated 2025-05-09.

Conditions:
PALB2-related cancer predisposition. Identifiers: MedGen CN377761, MONDO:0700272.
Breast-ovarian cancer, familial, susceptibility to, 5 (BROVCA5). Identifiers: MedGen C5830615, MONDO:0957530, OMIM 620442.
Hereditary cancer-predisposing syndrome. Also called: Neoplastic Syndromes, Hereditary; Hereditary neoplastic syndrome; Hereditary Cancer Syndrome; Tumor predisposition. Identifiers: Orphanet 140162, MedGen C0027672, MeSH D009386, MONDO:0015356.
Familial cancer of breast. Also called: hereditary breast carcinoma; BREAST CANCER, FAMILIAL; Hereditary breast cancer. Identifiers: Orphanet 227535, MedGen C0346153, MONDO:0016419, OMIM 114480. Disease mechanism: loss of function.

Allele frequency attached by ClinVar (database versions not stated): gnomAD exomes below 0.00001.
gnomAD v4.1: 3 of 1,614,158 alleles (0.00019%); highest among the groups gnomAD compares: Non-Finnish European, 0.00025%; no homozygotes.

Submissions (9):

Labcorp Genetics (formerly Invitae), Labcorp
Classification: Pathogenic for Familial cancer of breast. Last evaluated: 2025-05-09. Review status: criteria provided, single submitter. Criteria: Invitae Variant Classification Sherloc (09022015). Collection method: clinical testing. Allele origin: germline.
Comment: This sequence change creates a premature translational stop signal (p.Trp904*) in the PALB2 gene. It is expected to result in an absent or disrupted protein product. Loss-of-function variants in PALB2 are known to be pathogenic (PMID: 17200668, 17200671, 17200672, 24136930, 25099575). This variant is not present in population databases (gnomAD no frequency). This variant has not been reported in the literature in individuals affected with PALB2-related conditions. ClinVar contains an entry for this variant (Variation ID: 410087). RNA analysis performed to evaluate the impact of this premature translational stop signal on mRNA splicing indicates it does not significantly alter splicing (internal data). For these reasons, this variant has been classified as Pathogenic.

GeneDx
Classification: Pathogenic. Last evaluated: 2024-06-08. Review status: criteria provided, single submitter. Criteria: GeneDx Variant Classification Process June 2021. Collection method: clinical testing. Allele origin: germline. Affected: yes.
Comment: Nonsense variant predicted to result in protein truncation or nonsense mediated decay in a gene for which loss of function is a known mechanism of disease; Not observed at significant frequency in large population cohorts (gnomAD); Truncating variants in this gene are considered pathogenic by a well-established clinical consortium and/or database; This variant is associated with the following publications: (PMID: 32782288, 28135145, 31602316, 28152038, 33084842, 36003761, 36119527)

Myriad Genetics, Inc.
Classification: Pathogenic for Familial cancer of breast. Last evaluated: 2023-09-13. Review status: criteria provided, single submitter. Criteria: Myriad Autosomal Dominant, Autosomal Recessive and X-Linked Classification Criteria (2023). Collection method: clinical testing. Allele origin: unknown.
Comment: This variant is considered pathogenic. This variant creates a termination codon and is predicted to result in premature protein truncation.

Ambry Genetics
Classification: Pathogenic for Hereditary cancer-predisposing syndrome. Last evaluated: 2022-12-16. Review status: criteria provided, single submitter. Criteria: Ambry Variant Classification Scheme 2023. Collection method: clinical testing. Allele origin: germline.
Comment: The p.W904* pathogenic mutation (also known as c.2711G>A), located in coding exon 7 of the PALB2 gene, results from a G to A substitution at nucleotide position 2711. This changes the amino acid from a tryptophan to a stop codon within coding exon 7. This variant is considered to be rare based on population cohorts in the Genome Aggregation Database (gnomAD). In addition to the clinical data presented in the literature, this alteration is expected to result in loss of function by premature protein truncation or nonsense-mediated mRNA decay. As such, this alteration is interpreted as a disease-causing mutation.

Color Diagnostics, LLC DBA Color Health
Classification: Pathogenic for Hereditary cancer-predisposing syndrome. Last evaluated: 2022-03-14. Review status: criteria provided, single submitter. Criteria: ACMG Guidelines, 2015. Collection method: clinical testing. Allele origin: germline.
Comment: This variant changes 1 nucleotide in exon 7 of the PALB2 gene, creating a premature translation stop signal. This variant is expected to result in an absent or non-functional protein product. To our knowledge, this variant has not been reported in individuals affected with hereditary cancer in the literature. This variant has not been identified in the general population by the Genome Aggregation Database (gnomAD). Loss of PALB2 function is a known mechanism of disease. Based on the available evidence, this variant is classified as Pathogenic.

Baylor Genetics
Classification: Pathogenic for Familial cancer of breast. Last evaluated: 2021-04-26. Review status: criteria provided, single submitter. Criteria: ACMG Guidelines, 2015. Collection method: clinical testing. Allele origin: unknown.

Department of Pathology and Laboratory Medicine, Sinai Health System
Classification: Pathogenic for Breast-ovarian cancer, familial, susceptibility to, 5. Last evaluated: 2019-11-04. Review status: criteria provided, single submitter. Criteria: ACMG Guidelines, 2015. Collection method: clinical testing. Allele origin: germline. Affected: yes.

Genesis Genomics
Classification: Pathogenic for Breast-ovarian cancer, familial, susceptibility to, 5. Review status: criteria provided, single submitter. Criteria: ACMG Guidelines, 2015. Collection method: clinical testing. Allele origin: germline. Affected: yes. Observed: 1 variant allele.

University Health Network, Familial Cancer Clinic, Princess Margaret Cancer Centre
Classification: Pathogenic for PALB2-related cancer predisposition. Review status: criteria provided, single submitter. Criteria: ACMG Guidelines, 2015. Collection method: clinical testing. Allele origin: germline. Inheritance: Autosomal dominant inheritance. Affected: no. Observed: 1 variant allele.

Literature cited by the submitters: PubMed 17200668 (cited by Labcorp Genetics (formerly Invitae), Labcorp); PubMed 17200671 (cited by Labcorp Genetics (formerly Invitae), Labcorp); PubMed 17200672 (cited by Labcorp Genetics (formerly Invitae), Labcorp); PubMed 24136930 (cited by Labcorp Genetics (formerly Invitae), Labcorp); PubMed 25099575 (cited by Labcorp Genetics (formerly Invitae), Labcorp); PubMed 28135145 (cited by Ambry Genetics and Department of Pathology and Laboratory Medicine, Sinai Health System).

NM_024675.4(PALB2):c.2711G>A (p.Trp904Ter)

Gene: PALB2 (partner and localizer of BRCA2; minus strand). Cytogenetic location: 16p12.2.
Variant type: single nucleotide variant.
Coding change: c.2711G>A on transcript NM_024675.4 (MANE Select); coding-DNA position 2711, G replaced by A.
Protein change: p.Trp904Ter; replaces tryptophan 904 with a stop codon.
Molecular consequence: nonsense.
Genome position (GRCh38, 1-based): chr16:23,626,273, C>T on the plus strand (G>A on the coding strand, the complement: PALB2 is on the minus strand). VCF-style: chr16-23626273-C-T. GRCh37 (hg19) VCF-style: chr16-23637594-C-T.
Other names: short protein forms W904*.
Identifiers: ClinVar variation 410087 (VCV000410087.27), dbSNP rs1060502726, ClinGen allele CA16615083.